The following is an entry in ClinVar:

NM_000075.4(CDK4):c.323C>A (p.Pro108His)

Gene: CDK4 (cyclin dependent kinase 4; minus strand). Cytogenetic location: 12q14.1.
Variant type: single nucleotide variant.
Coding change: c.323C>A on transcript NM_000075.4 (MANE Select); coding-DNA position 323, C replaced by A.
Protein change: p.Pro108His; replaces proline 108 with histidine.
Molecular consequence: missense variant.
Genome position (GRCh38, 1-based): chr12:57,751,238, G>T on the plus strand (C>A on the coding strand, the complement: CDK4 is on the minus strand). VCF-style: chr12-57751238-G-T. GRCh37 (hg19) VCF-style: chr12-58145021-G-T.
Other names: short protein forms P108H.
Identifiers: ClinVar variation 649232 (VCV000649232.11), dbSNP rs1595110706, ClinGen allele CA385547653.

ClinVar aggregate classification (germline): Uncertain significance. Review status: criteria provided, multiple submitters, no conflicts (2 of 4 stars). 2 submissions from 2 submitters: Uncertain significance (2). Last evaluated 2022-03-26.

Conditions:
Familial melanoma. Also called: Hereditary melanoma; Hereditary cutaneous melanoma. Identifiers: Orphanet 618, MedGen C1512419, MONDO:0018961.
Hereditary cancer-predisposing syndrome. Also called: Neoplastic Syndromes, Hereditary; Tumor predisposition; Hereditary Cancer Syndrome; Hereditary neoplastic syndrome. Identifiers: Orphanet 140162, MedGen C0027672, MeSH D009386, MONDO:0015356.

Submissions (2):

Labcorp Genetics (formerly Invitae), Labcorp
Classification: Uncertain significance for Familial melanoma. Last evaluated: 2022-03-26. Review status: criteria provided, single submitter. Criteria: Invitae Variant Classification Sherloc (09022015). Collection method: clinical testing. Allele origin: germline.
Comment: In summary, the available evidence is currently insufficient to determine the role of this variant in disease. Therefore, it has been classified as a Variant of Uncertain Significance. Algorithms developed to predict the effect of missense changes on protein structure and function are either unavailable or do not agree on the potential impact of this missense change (SIFT: "Deleterious"; PolyPhen-2: "Probably Damaging"; Align-GVGD: "Class C0"). ClinVar contains an entry for this variant (Variation ID: 649232). This variant has not been reported in the literature in individuals affected with CDK4-related conditions. This variant is not present in population databases (gnomAD no frequency). This sequence change replaces proline, which is neutral and non-polar, with histidine, which is basic and polar, at codon 108 of the CDK4 protein (p.Pro108His).

Ambry Genetics
Classification: Uncertain significance for Hereditary cancer-predisposing syndrome. Last evaluated: 2020-08-19. Review status: criteria provided, single submitter. Criteria: Ambry Variant Classification Scheme 2023. Collection method: clinical testing. Allele origin: germline.
Comment: The p.P108H variant (also known as c.323C>A), located in coding exon 2 of the CDK4 gene, results from a C to A substitution at nucleotide position 323. The proline at codon 108 is replaced by histidine, an amino acid with similar properties. This amino acid position is highly conserved in available vertebrate species. In addition, the in silico prediction for this alteration is inconclusive. Since supporting evidence is limited at this time, the clinical significance of this alteration remains unclear.